The following is an entry in ClinVar:

NM_005811.5(GDF11):c.68A>T (p.Glu23Val)

Gene: GDF11 (growth differentiation factor 11; plus strand). Cytogenetic location: 12q13.2.
Variant type: single nucleotide variant.
Coding change: c.68A>T on transcript NM_005811.5 (MANE Select); coding-DNA position 68, A replaced by T.
Protein change: p.Glu23Val; replaces glutamic acid 23 with valine.
Molecular consequence: missense variant.
Genome position (GRCh38, 1-based): chr12:55,743,384, A>T. VCF-style: chr12-55743384-A-T. GRCh37 (hg19) VCF-style: chr12-56137168-A-T.
Other names: short protein forms E23V.
Identifiers: ClinVar variation 4072548 (VCV004072548.1).
Genomic context (GRCh38, chr12:55,743,384, plus strand): 5'-TCGCGGCCCCGCTGCTGCTGGGCTTCCTGCTCCTCGCCCTGGAGCTGCGGCCCCGGGGGG[A>T]GGCGGCCGAGGGCCCCGCGGCGGCGGCGGCGGCGGCGGCGGCGGCGGCAGCGGCGGGGGT-3'
Protein context (NP_005802.1, residues 13-33): LLALELRPRG[Glu23Val]AAEGPAAAAA

ClinVar aggregate classification (germline): Uncertain significance (1 of 4 stars; one submission).

Submission:

GeneDx
Classification: Uncertain significance. Last evaluated: 2025-01-29. Review status: criteria provided, single submitter. Criteria: GeneDx Variant Classification Process June 2021. Collection method: clinical testing. Allele origin: germline. Affected: yes.
Comment: Not observed at significant frequency in large population cohorts (gnomAD); In silico analysis indicates that this missense variant does not alter protein structure/function; Has not been previously published as pathogenic or benign to our knowledge